The following is an entry in ClinVar:

ClinVar aggregate classification (germline): Uncertain significance (1 of 4 stars; one submission).

Submission:

Women's Health and Genetics/Laboratory Corporation of America, LabCorp
Classification: Uncertain significance. Last evaluated: 2024-09-10. Review status: criteria provided, single submitter. Criteria: LabCorp Variant Classification Summary - May 2015. Collection method: clinical testing. Allele origin: germline.
Comment: Variant summary: GBE1 c.607C>A (p.His203Asn) results in a conservative amino acid change in the encoded protein sequence. Four of five in-silico tools predict a damaging effect of the variant on protein function. The variant was absent in 233978 control chromosomes. The available data on variant occurrences in the general population are insufficient to allow any conclusion about variant significance. c.607C>A has been reported in the literature as a VUS without reported phenotype or in a homozygous individual without clinical features of Glycogen Storage Disease, Type IV but affected with isolated non-ischaemic dilated cardiomyopathy without evidence of causality (e.g. Li_2010, Ndugga-Kabuye_2019). These reports do not provide unequivocal conclusions about association of the variant with Glycogen Storage Disease, Type IV. To our knowledge, no experimental evidence demonstrating an impact on protein function has been reported. The following publications have been ascertained in the context of this evaluation (PMID: 20058079, 31527204). No submitters have cited clinical-significance assessments for this variant to ClinVar. Based on the evidence outlined above, the variant was classified as uncertain significance.

Literature cited by the submitters: PubMed 20058079; PubMed 31527204.

NM_000158.4(GBE1):c.607C>A (p.His203Asn)

Gene: GBE1 (1,4-alpha-glucan branching enzyme 1; minus strand). Cytogenetic location: 3p12.2.
Variant type: single nucleotide variant.
Coding change: c.607C>A on transcript NM_000158.4 (MANE Select); coding-DNA position 607, C replaced by A.
Protein change: p.His203Asn; replaces histidine 203 with asparagine.
Molecular consequence: missense variant.
Genome position (GRCh38, 1-based): chr3:81,648,940, G>T on the plus strand (C>A on the coding strand, the complement: GBE1 is on the minus strand). VCF-style: chr3-81648940-G-T. GRCh37 (hg19) VCF-style: chr3-81698091-G-T.
Other names: short protein forms H203N.
Identifiers: ClinVar variation 3374966 (VCV003374966.1).